The following is an entry in ClinVar:

ClinVar aggregate classification (germline): Likely benign. Review status: criteria provided, multiple submitters, no conflicts (2 of 4 stars). 2 submissions from 2 submitters: Likely benign (2). Last evaluated 2020-05-27.

Conditions:
Hereditary breast ovarian cancer syndrome. Also called: Hereditary breast and/or ovarian cancer syndrome; BRCA1- and BRCA2-Associated Hereditary Breast and Ovarian Cancer; Hereditary breast and ovarian cancer syndrome; Hereditary breast and ovarian cancer; Hereditary breast and ovarian cancer syndrome (HBOC); Breast and ovarian cancer. Identifiers: Orphanet 145, MedGen C0677776, MeSH D061325, MONDO:0003582. Disease mechanism: loss of function.
Hereditary cancer-predisposing syndrome. Also called: Tumor predisposition; Hereditary Cancer Syndrome; Hereditary neoplastic syndrome; Neoplastic Syndromes, Hereditary. Identifiers: Orphanet 140162, MedGen C0027672, MeSH D009386, MONDO:0015356.

Submissions (3):

Labcorp Genetics (formerly Invitae), Labcorp
Classification: Likely benign for Hereditary breast ovarian cancer syndrome. Last evaluated: 2020-05-27. Review status: criteria provided, single submitter. Criteria: Invitae Variant Classification Sherloc (09022015). Collection method: clinical testing. Allele origin: germline.

Color Diagnostics, LLC DBA Color Health
Classification: Likely benign for Hereditary cancer-predisposing syndrome. Last evaluated: 2018-05-10. Review status: criteria provided, single submitter. Criteria: ACMG Guidelines, 2015. Collection method: clinical testing. Allele origin: germline.

Brotman Baty Institute, University of Washington
No classification provided (evidence only). Condition: Breast-ovarian cancer, familial 1. Review status: no classification provided. Collection method: in vitro. Allele origin: not applicable. Functional consequence: functionally_normal. Not counted in ClinVar's aggregate classification.
ClinVar note: "not provided" was previously submitted as the classification for the variant. However, the classification appeared to be based only on an observation of functional data so it was converted to no classification on 2025-07-30.

NM_007294.4(BRCA1):c.4941C>T (p.Asn1647=)

Gene: BRCA1 (BRCA1 DNA repair associated; minus strand). Cytogenetic location: 17q21.31.
Variant type: single nucleotide variant.
Coding change: c.4941C>T on transcript NM_007294.4 (MANE Select); coding-DNA position 4941, C replaced by T.
Protein change: p.Asn1647=; no amino-acid change (asparagine 1647 retained).
Molecular consequence: synonymous variant. On other transcripts: intron variant (1).
Genome position (GRCh38, 1-based): chr17:43,070,973, G>A on the plus strand (C>T on the coding strand, the complement: BRCA1 is on the minus strand). VCF-style: chr17-43070973-G-A. GRCh37 (hg19) VCF-style: chr17-41222990-G-A.
Other names: c.4728C>T, p.Asn1576= (NM_001407571.1, NM_001407894.1, NM_001407895.1 and 12 more transcripts); c.5007C>T, p.Asn1669= (NM_001407581.1, NM_001407582.1); c.5004C>T, p.Asn1668= (NM_001407583.1, NM_001407585.1, NM_001407587.1 and 1 more transcripts); c.5001C>T, p.Asn1667= (NM_001407590.1, NM_001407591.1); c.4941C>T, p.Asn1647= (NM_001407593.1, NM_001407594.1, NM_001407596.1 and 8 more transcripts); c.4938C>T, p.Asn1646= (NM_001407610.1, NM_001407611.1, NM_001407612.1 and 17 more transcripts); c.4935C>T, p.Asn1645= (NM_001407627.1, NM_001407628.1, NM_001407629.1 and 14 more transcripts); c.4932C>T, p.Asn1644= (NM_001407644.1, NM_001407645.1); and 71 more.
Identifiers: ClinVar variation 865711 (VCV000865711.14), dbSNP rs80357302, ClinGen allele CA500231606.
Genomic context (GRCh38, chr17:43,070,973, plus strand): 5'-TATGGATACACTCACAAATTCTTCTGGGGTCAGGCCAGACACCACCATGGACATTCTTTT[G>A]TTGACCCTTTCTGTTGAAGCTGTCAATTCTGGCTTCTCCCTGCTCACACTTTCTTCCATT-3'
Protein context (NP_009225.1, residues 1637-1657): PELTASTERV[Asn1647=]KRMSMVVSGL